The following is an entry in ClinVar:

ClinVar aggregate classification (germline): Uncertain significance. Review status: criteria provided, multiple submitters, no conflicts (2 of 4 stars). 2 submissions from 2 submitters: Uncertain significance (2). Last evaluated 2026-02-26.

gnomAD v4.1: 4 of 1,613,860 alleles (0.00025%); highest among the groups gnomAD compares: African/African-American, 0.004%; no homozygotes.

Submissions (2):

GeneDx
Classification: Uncertain significance. Last evaluated: 2026-02-26. Review status: criteria provided, single submitter. Criteria: GeneDx Variant Classification Process June 2021. Collection method: clinical testing. Allele origin: germline.
Comment: In silico analysis supports that this missense variant has a deleterious effect on protein structure/function; Has not been previously published as pathogenic or benign to our knowledge

Ambry Genetics
Classification: Uncertain significance. Last evaluated: 2025-08-26. Review status: criteria provided, single submitter. Criteria: Ambry Variant Classification Scheme 2023. Collection method: clinical testing. Allele origin: germline.

NM_001080421.3(UNC13A):c.4775A>G (p.Asn1592Ser)

Gene: UNC13A (unc-13 homolog A; minus strand). Cytogenetic location: 19p13.11.
Variant type: single nucleotide variant.
Coding change: c.4775A>G on transcript NM_001080421.3 (MANE Select); coding-DNA position 4775, A replaced by G.
Protein change: p.Asn1592Ser; replaces asparagine 1592 with serine.
Molecular consequence: missense variant.
Genome position (GRCh38, 1-based): chr19:17,609,976, T>C on the plus strand (A>G on the coding strand, the complement: UNC13A is on the minus strand). VCF-style: chr19-17609976-T-C. GRCh37 (hg19) VCF-style: chr19-17720785-T-C.
Other names: c.4763A>G, p.Asn1588Ser (NM_001387021.1); c.4760A>G, p.Asn1587Ser (NM_001387022.1); c.4694A>G, p.Asn1565Ser (NM_001387023.1); short protein forms N1588S, N1565S, N1587S, N1592S.
Identifiers: ClinVar variation 4196072 (VCV004196072.2).